The following is an entry in ClinVar:

ClinVar aggregate classification (germline): Uncertain significance. Review status: criteria provided, multiple submitters, no conflicts (2 of 4 stars). 3 submissions from 3 submitters: Uncertain significance (3). Last evaluated 2025-10-18.

Conditions:
Hereditary cancer-predisposing syndrome. Also called: Neoplastic Syndromes, Hereditary; Tumor predisposition; Hereditary Cancer Syndrome; Hereditary neoplastic syndrome. Identifiers: Orphanet 140162, MedGen C0027672, MeSH D009386, MONDO:0015356.

Allele frequency attached by ClinVar (database versions not stated): gnomAD exomes below 0.00001; ExAC 0.00001; TOPMed 0.00001.
gnomAD v4.1: 4 of 1,613,726 alleles (0.00025%); highest among the groups gnomAD compares: East Asian, 0.0067%; no homozygotes.

Submissions (3):

Labcorp Genetics (formerly Invitae), Labcorp
Classification: Uncertain significance for Hereditary cancer-predisposing syndrome. Last evaluated: 2025-10-18. Review status: criteria provided, single submitter. Criteria: Invitae Variant Classification Sherloc (09022015). Collection method: clinical testing. Allele origin: germline.
Comment: This sequence change replaces threonine, which is neutral and polar, with alanine, which is neutral and non-polar, at codon 896 of the RAD50 protein (p.Thr896Ala). This variant is present in population databases (rs587781732, gnomAD 0.006%). This variant has not been reported in the literature in individuals affected with RAD50-related conditions. ClinVar contains an entry for this variant (Variation ID: 141418). Invitae Evidence Modeling of protein sequence and biophysical properties (such as structural, functional, and spatial information, amino acid conservation, physicochemical variation, residue mobility, and thermodynamic stability) indicates that this missense variant is not expected to disrupt RAD50 protein function with a negative predictive value of 80%. In summary, the available evidence is currently insufficient to determine the role of this variant in disease. Therefore, it has been classified as a Variant of Uncertain Significance.

Quest Diagnostics Nichols Institute San Juan Capistrano
Classification: Uncertain significance. Last evaluated: 2025-05-24. Review status: criteria provided, single submitter. Criteria: Quest Diagnostics criteria. Collection method: clinical testing. Allele origin: unknown.
Comment: The RAD50 c.2686A>G (p.Thr896Ala) variant has been reported in the published literature in individuals with breast cancer as well as a reportedly unaffected individual (PMID: 33471991 (2021), see also LOVD). The frequency of this variant in the general population (Genome Aggregation Database) is uninformative in the assessment of its pathogenicity. Analysis of this variant using bioinformatics tools for the prediction of the effect of amino acid changes on protein structure and function yielded predictions that this variant is benign. Based on the available information, we are unable to determine the clinical significance of this variant.

Ambry Genetics
Classification: Uncertain significance for Hereditary cancer-predisposing syndrome. Last evaluated: 2024-04-10. Review status: criteria provided, single submitter. Criteria: Ambry Variant Classification Scheme 2023. Collection method: clinical testing. Allele origin: germline.
Comment: The p.T896A variant (also known as c.2686A>G), located in coding exon 16 of the RAD50 gene, results from an A to G substitution at nucleotide position 2686. The threonine at codon 896 is replaced by alanine, an amino acid with some similar properties. This amino acid position is highly conserved in available vertebrate species. In addition, the in silico prediction for this alteration is inconclusive. Since supporting evidence is limited at this time, the clinical significance of this alteration remains unclear.

Literature cited by the submitters: PubMed 33471991 (cited by Quest Diagnostics Nichols Institute San Juan Capistrano).

NM_005732.4(RAD50):c.2686A>G (p.Thr896Ala)

Gene: RAD50 (RAD50 double strand break repair protein; plus strand). Cytogenetic location: 5q31.1.
Variant type: single nucleotide variant.
Coding change: c.2686A>G on transcript NM_005732.4 (MANE Select); coding-DNA position 2686, A replaced by G.
Protein change: p.Thr896Ala; replaces threonine 896 with alanine.
Molecular consequence: missense variant.
Genome position (GRCh38, 1-based): chr5:132,604,967, A>G. VCF-style: chr5-132604967-A-G. GRCh37 (hg19) VCF-style: chr5-131940659-A-G.
Other names: short protein forms T896A.
Identifiers: ClinVar variation 141418 (VCV000141418.16), dbSNP rs587781732, ClinGen allele CA165361.